The following is an entry in ClinVar:

NM_018109.4(MTPAP):c.385A>G (p.Asn129Asp)

Gene: MTPAP (mitochondrial poly(A) polymerase; minus strand). Cytogenetic location: 10p11.23.
Variant type: single nucleotide variant.
Coding change: c.385A>G on transcript NM_018109.4 (MANE Select); coding-DNA position 385, A replaced by G.
Protein change: p.Asn129Asp; replaces asparagine 129 with aspartic acid.
Molecular consequence: missense variant.
Genome position (GRCh38, 1-based): chr10:30,340,396, T>C on the plus strand (A>G on the coding strand, the complement: MTPAP is on the minus strand). VCF-style: chr10-30340396-T-C. GRCh37 (hg19) VCF-style: chr10-30629325-T-C.
Other names: short protein forms N129D.
Identifiers: ClinVar variation 1481174 (VCV001481174.4), dbSNP rs529913701, ClinGen allele CA5459205.
Genomic context (GRCh38, chr10:30,340,396, plus strand): 5'-AGAAACGTGATCTGAATGGAATTGCAGTCTCCATGGCCGTGCTTGGAGTATGAGTCCCAT[T>C]CTGCAGTGAACCTATGCTTTCCTTTTGGCAAAATTCTACGACAGCATAGAGACCCTATAC-3'
Protein context (NP_060579.3, residues 119-139): CQKESIGSLQ[Asn129Asp]GTHTPSTAME

ClinVar aggregate classification (germline): Uncertain significance (1 of 4 stars; one submission).

Allele frequency attached by ClinVar (database versions not stated): gnomAD 0.00003; TOPMed 0.00004; 1000 Genomes Project 0.00020; 1000 Genomes Project 30x 0.00031.
gnomAD v4.1: 11 of 1,614,160 alleles (0.00068%); highest among the groups gnomAD compares: African/African-American, 0.0093%; no homozygotes.

Submission:

Labcorp Genetics (formerly Invitae), Labcorp
Classification: Uncertain significance. Last evaluated: 2022-06-27. Review status: criteria provided, single submitter. Criteria: Invitae Variant Classification Sherloc (09022015). Collection method: clinical testing. Allele origin: germline.
Comment: In summary, the available evidence is currently insufficient to determine the role of this variant in disease. Therefore, it has been classified as a Variant of Uncertain Significance. Algorithms developed to predict the effect of missense changes on protein structure and function output the following: SIFT: "Tolerated"; PolyPhen-2: "Benign"; Align-GVGD: "Class C0". The aspartic acid amino acid residue is found in multiple mammalian species, which suggests that this missense change does not adversely affect protein function. This variant has not been reported in the literature in individuals affected with MTPAP-related conditions. This variant is present in population databases (rs529913701, gnomAD 0.01%). This sequence change replaces asparagine, which is neutral and polar, with aspartic acid, which is acidic and polar, at codon 129 of the MTPAP protein (p.Asn129Asp).